The following is an entry in ClinVar:

NM_000179.3(MSH6):c.373A>G (p.Lys125Glu)

Gene: MSH6 (mutS homolog 6; plus strand). Cytogenetic location: 2p16.3.
Variant type: single nucleotide variant.
Coding change: c.373A>G on transcript NM_000179.3 (MANE Select); coding-DNA position 373, A replaced by G.
Protein change: p.Lys125Glu; replaces lysine 125 with glutamic acid.
Molecular consequence: missense variant. On other transcripts: 5 prime UTR variant (2), intron variant (1).
Genome position (GRCh38, 1-based): chr2:47,791,039, A>G. VCF-style: chr2-47791039-A-G. GRCh37 (hg19) VCF-style: chr2-48018178-A-G.
Other names: c.-364A>G (NM_001281493.2); c.-530A>G (NM_001281494.2); c.237+7569A>G (NM_001281492.2); short protein forms K125E.
Identifiers: ClinVar variation 485869 (VCV000485869.19), dbSNP rs372352774, ClinGen allele CA071937.

ClinVar aggregate classification (germline): Conflicting classifications of pathogenicity. Review status: criteria provided, conflicting classifications (1 of 4 stars). 4 submissions from 4 submitters: Uncertain significance (3); Benign (1). Last evaluated 2025-10-06.

Conditions:
Hereditary nonpolyposis colorectal neoplasms. Identifiers: MedGen C0009405, MeSH D003123.
Hereditary cancer-predisposing syndrome. Also called: Tumor predisposition; Hereditary Cancer Syndrome; Hereditary neoplastic syndrome; Neoplastic Syndromes, Hereditary. Identifiers: Orphanet 140162, MedGen C0027672, MeSH D009386, MONDO:0015356.
Endometrial carcinoma. Also called: Endometrial carcinoma, somatic. Identifiers: MedGen C0476089, MONDO:0002447, OMIM 608089, HP:0012114.

Allele frequency attached by ClinVar (database versions not stated): gnomAD exomes below 0.00001 and 0.00001; ExAC 0.00001; gnomAD 0.00002; TOPMed 0.00002; ESP Exome Variant Server 0.00008.
gnomAD v4.1: 4 of 1,614,110 alleles (0.00025%); highest among the groups gnomAD compares: African/African-American, 0.0053%; no homozygotes.

Submissions (4):

Labcorp Genetics (formerly Invitae), Labcorp
Classification: Benign for Hereditary nonpolyposis colorectal neoplasms. Last evaluated: 2025-10-06. Review status: criteria provided, single submitter. Criteria: Invitae Variant Classification Sherloc (09022015). Collection method: clinical testing. Allele origin: germline.

Ambry Genetics
Classification: Uncertain significance for Hereditary cancer-predisposing syndrome. Last evaluated: 2025-04-06. Review status: criteria provided, single submitter. Criteria: Ambry Variant Classification Scheme 2023. Collection method: clinical testing. Allele origin: germline.
Comment: The p.K125E variant (also known as c.373A>G), located in coding exon 2 of the MSH6 gene, results from an A to G substitution at nucleotide position 373. The lysine at codon 125 is replaced by glutamic acid, an amino acid with similar properties. This amino acid position is not well conserved in available vertebrate species. In addition, the in silico prediction for this alteration is inconclusive. Since supporting evidence is limited at this time, the clinical significance of this alteration remains unclear.

Baylor Genetics
Classification: Uncertain significance for Endometrial carcinoma. Last evaluated: 2023-08-02. Review status: criteria provided, single submitter. Criteria: ACMG Guidelines, 2015. Collection method: clinical testing. Allele origin: unknown.

Color Diagnostics, LLC DBA Color Health
Classification: Uncertain significance for Hereditary cancer-predisposing syndrome. Last evaluated: 2020-01-08. Review status: criteria provided, single submitter. Criteria: ACMG Guidelines, 2015. Collection method: clinical testing. Allele origin: germline.
Comment: This missense variant replaces lysine with glutamic acid at codon 125 of the MSH6 protein. Computational prediction suggests that this variant may not impact protein structure and function (internally defined REVEL score threshold <= 0.5, PMID: 27666373). Splice site prediction tools suggest that this variant may not impact RNA splicing. To our knowledge, functional studies have not been performed for this variant. This variant has been reported in an individual affected with head and neck squamous cell carcinoma (PMID: 26689913). This variant has also been identified in 2/251494 chromosomes in the general population by the Genome Aggregation Database (gnomAD). The available evidence is insufficient to determine the role of this variant in disease conclusively. Therefore, this variant is classified as a Variant of Uncertain Significance.